The following is an entry in ClinVar:

NM_000260.4(MYO7A):c.5236A>G (p.Ser1746Gly)

Gene: MYO7A (myosin VIIA; plus strand). Cytogenetic location: 11q13.5.
Variant type: single nucleotide variant.
Coding change: c.5236A>G on transcript NM_000260.4 (MANE Select); coding-DNA position 5236, A replaced by G.
Protein change: p.Ser1746Gly; replaces serine 1746 with glycine.
Molecular consequence: missense variant.
Genome position (GRCh38, 1-based): chr11:77,203,127, A>G. VCF-style: chr11-77203127-A-G. GRCh37 (hg19) VCF-style: chr11-76914172-A-G.
Other names: c.5122A>G, p.Ser1708Gly (NM_001127180.2); c.5089A>G, p.Ser1697Gly (NM_001369365.1); short protein forms S1746G, S1697G, S1708G.
Identifiers: ClinVar variation 2957059 (VCV002957059.3), dbSNP rs201708806, ClinGen allele CA224852674.

ClinVar aggregate classification (germline): Uncertain significance (1 of 4 stars; one submission).

Submission:

Labcorp Genetics (formerly Invitae), Labcorp
Classification: Uncertain significance. Last evaluated: 2023-08-10. Review status: criteria provided, single submitter. Criteria: Invitae Variant Classification Sherloc (09022015). Collection method: clinical testing. Allele origin: germline.
Comment: Advanced modeling of protein sequence and biophysical properties (such as structural, functional, and spatial information, amino acid conservation, physicochemical variation, residue mobility, and thermodynamic stability) performed at Invitae indicates that this missense variant is not expected to disrupt MYO7A protein function. In summary, the available evidence is currently insufficient to determine the role of this variant in disease. Therefore, it has been classified as a Variant of Uncertain Significance. This sequence change replaces serine, which is neutral and polar, with glycine, which is neutral and non-polar, at codon 1746 of the MYO7A protein (p.Ser1746Gly). This variant is not present in population databases (gnomAD no frequency). This variant has not been reported in the literature in individuals affected with MYO7A-related conditions.